The following is an entry in ClinVar:

ClinVar aggregate classification (germline): Uncertain significance (0 of 4 stars; one submission).

Conditions:
GATA6-related disorder. Also called: GATA6-related condition.

Allele frequency attached by ClinVar (database versions not stated): gnomAD exomes below 0.00001.
gnomAD v4.1: 1 of 1,614,154 alleles (0.000062%); highest among the groups gnomAD compares: Non-Finnish European, 0.000085%; no homozygotes.

Submission:

PreventionGenetics, part of Exact Sciences
Classification: Uncertain significance for GATA6-related condition. Last evaluated: 2024-04-24. Review status: no assertion criteria provided. Collection method: clinical testing. Allele origin: germline.
Comment: The GATA6 c.1558T>C variant is predicted to result in the amino acid substitution p.Ser520Pro. To our knowledge, this variant has not been reported in the literature or in a large population database, indicating this variant is rare. At this time, the clinical significance of this variant is uncertain due to the absence of conclusive functional and genetic evidence.

NM_005257.6(GATA6):c.1558T>C (p.Ser520Pro)

Gene: GATA6 (GATA binding protein 6; plus strand). Cytogenetic location: 18q11.2.
Variant type: single nucleotide variant.
Coding change: c.1558T>C on transcript NM_005257.6 (MANE Select); coding-DNA position 1558, T replaced by C.
Protein change: p.Ser520Pro; replaces serine 520 with proline.
Molecular consequence: missense variant.
Genome position (GRCh38, 1-based): chr18:22,182,981, T>C. VCF-style: chr18-22182981-T-C. GRCh37 (hg19) VCF-style: chr18-19762942-T-C.
Other names: short protein forms S520P.
Identifiers: ClinVar variation 2632917 (VCV002632917.2), dbSNP rs2033217425, ClinGen allele CA401802862.